The following is an entry in ClinVar:

ClinVar aggregate classification (germline): Uncertain significance. Review status: criteria provided, multiple submitters, no conflicts (2 of 4 stars). 2 submissions from 2 submitters: Uncertain significance (2). Last evaluated 2025-03-20.

Conditions:
Carney complex, type 1 (CNC1). Also called: CARNEY MYXOMA-ENDOCRINE COMPLEX; CARNEY COMPLEX, TYPE I. Identifiers: Orphanet 1359, MedGen C2607929, MONDO:0008057, OMIM 160980.
Hereditary cancer-predisposing syndrome. Also called: Tumor predisposition; Hereditary neoplastic syndrome; Hereditary Cancer Syndrome; Neoplastic Syndromes, Hereditary. Identifiers: Orphanet 140162, MedGen C0027672, MeSH D009386, MONDO:0015356.

Submissions (2):

Ambry Genetics
Classification: Uncertain significance for Hereditary cancer-predisposing syndrome. Last evaluated: 2025-03-20. Review status: criteria provided, single submitter. Criteria: Ambry Variant Classification Scheme 2023. Collection method: clinical testing. Allele origin: germline.
Comment: The p.R317G variant (also known as c.949A>G), located in coding exon 9 of the PRKAR1A gene, results from an A to G substitution at nucleotide position 949. The arginine at codon 317 is replaced by glycine, an amino acid with dissimilar properties. This amino acid position is conserved. In addition, this alteration is predicted to be deleterious by in silico analysis. Based on the available evidence, the clinical significance of this variant remains unclear.

Labcorp Genetics (formerly Invitae), Labcorp
Classification: Uncertain significance for Carney complex, type 1. Last evaluated: 2025-03-02. Review status: criteria provided, single submitter. Criteria: Invitae Variant Classification Sherloc (09022015). Collection method: clinical testing. Allele origin: germline.
Comment: This sequence change replaces arginine, which is basic and polar, with glycine, which is neutral and non-polar, at codon 317 of the PRKAR1A protein (p.Arg317Gly). This variant is not present in population databases (gnomAD no frequency). This variant has not been reported in the literature in individuals affected with PRKAR1A-related conditions. Invitae Evidence Modeling of protein sequence and biophysical properties (such as structural, functional, and spatial information, amino acid conservation, physicochemical variation, residue mobility, and thermodynamic stability) has been performed for this missense variant. However, the output from this modeling did not meet the statistical confidence thresholds required to predict the impact of this variant on PRKAR1A protein function. In summary, the available evidence is currently insufficient to determine the role of this variant in disease. Therefore, it has been classified as a Variant of Uncertain Significance.

NM_002734.5(PRKAR1A):c.949A>G (p.Arg317Gly)

Gene: PRKAR1A (protein kinase cAMP-dependent type I regulatory subunit alpha; plus strand). Cytogenetic location: 17q24.2.
Variant type: single nucleotide variant.
Coding change: c.949A>G on transcript NM_002734.5 (MANE Select); coding-DNA position 949, A replaced by G.
Protein change: p.Arg317Gly; replaces arginine 317 with glycine.
Molecular consequence: missense variant.
Genome position (GRCh38, 1-based): chr17:68,529,977, A>G. VCF-style: chr17-68529977-A-G. GRCh37 (hg19) VCF-style: chr17-66526118-A-G.
Other names: c.949A>G, p.Arg317Gly (NM_001276289.2, NM_001276290.1, NM_001278433.2 and 4 more transcripts); short protein forms R317G.
Identifiers: ClinVar variation 3938085 (VCV003938085.2).